The following is an entry in ClinVar:

ClinVar aggregate classification (germline): Uncertain significance (1 of 4 stars; one submission).

Conditions:
Familial cancer of breast. Also called: Hereditary breast cancer; hereditary breast carcinoma; BREAST CANCER, FAMILIAL. Identifiers: Orphanet 227535, MedGen C0346153, MONDO:0016419, OMIM 114480. Disease mechanism: loss of function.

Submission:

Labcorp Genetics (formerly Invitae), Labcorp
Classification: Uncertain significance for Familial cancer of breast. Last evaluated: 2025-11-23. Review status: criteria provided, single submitter. Criteria: Invitae Variant Classification Sherloc (09022015). Collection method: clinical testing. Allele origin: germline.
Comment: This sequence change replaces alanine, which is neutral and non-polar, with aspartic acid, which is acidic and polar, at codon 540 of the CHEK2 protein (p.Ala540Asp). This variant is not present in population databases (gnomAD no frequency). This variant has not been reported in the literature in individuals affected with CHEK2-related conditions. An algorithm developed to predict the effect of missense changes on protein structure and function outputs the following: PolyPhen-2: "Benign". The aspartic acid amino acid residue is found in multiple mammalian species, which suggests that this missense change does not adversely affect protein function. In summary, the available evidence is currently insufficient to determine the role of this variant in disease. Therefore, it has been classified as a Variant of Uncertain Significance.

NM_007194.4(CHEK2):c.1619C>A (p.Ala540Asp)

Gene: CHEK2 (checkpoint kinase 2; minus strand). Cytogenetic location: 22q12.1.
Variant type: single nucleotide variant.
Coding change: c.1619C>A on transcript NM_007194.4 (MANE Select); coding-DNA position 1619, C replaced by A.
Protein change: p.Ala540Asp; replaces alanine 540 with aspartic acid.
Molecular consequence: missense variant.
Genome position (GRCh38, 1-based): chr22:28,687,910, G>T on the plus strand (C>A on the coding strand, the complement: CHEK2 is on the minus strand). VCF-style: chr22-28687910-G-T. GRCh37 (hg19) VCF-style: chr22-29083898-G-T.
Other names: c.1748C>A, p.Ala583Asp (NM_001005735.3); c.956C>A, p.Ala319Asp (NM_001257387.3, NM_001437942.1); c.1418C>A, p.Ala473Asp (NM_001349956.3); c.1712C>A, p.Ala571Asp (NM_001438293.1); c.1661C>A, p.Ala554Asp (NM_001438294.1); c.1625C>A, p.Ala542Asp (NM_001438295.1); c.1532C>A, p.Ala511Asp (NM_145862.3); short protein forms A542D, A571D, A319D, A554D, A583D, A511D, A473D, A540D.
Identifiers: ClinVar variation 4731716 (VCV004731716.1).